The following is an entry in ClinVar:

ClinVar aggregate classification (germline): Uncertain significance. Review status: criteria provided, multiple submitters, no conflicts (2 of 4 stars). 2 submissions from 2 submitters: Uncertain significance (2). Last evaluated 2026-01-18.

Conditions:
Hereditary cancer-predisposing syndrome. Also called: Neoplastic Syndromes, Hereditary; Hereditary Cancer Syndrome; Tumor predisposition; Hereditary neoplastic syndrome. Identifiers: Orphanet 140162, MedGen C0027672, MeSH D009386, MONDO:0015356.
Neuroblastoma, susceptibility to, 3. Also called: ALK-Related Neuroblastic Tumor Susceptibility. Identifiers: Orphanet 635, MedGen C2751681, MONDO:0013083, OMIM 613014.

gnomAD v4.1: 3 of 1,608,250 alleles (0.00019%); highest among the groups gnomAD compares: Non-Finnish European, 0.00017%; no homozygotes.

Submissions (2):

Labcorp Genetics (formerly Invitae), Labcorp
Classification: Uncertain significance for Neuroblastoma, susceptibility to, 3. Last evaluated: 2026-01-18. Review status: criteria provided, single submitter. Criteria: Invitae Variant Classification Sherloc (09022015). Collection method: clinical testing. Allele origin: germline.
Comment: This sequence change replaces alanine, which is neutral and non-polar, with threonine, which is neutral and polar, at codon 138 of the ALK protein (p.Ala138Thr). This variant is not present in population databases (gnomAD no frequency). This variant has not been reported in the literature in individuals affected with ALK-related conditions. ClinVar contains an entry for this variant (Variation ID: 1462432). An algorithm developed to predict the effect of missense changes on protein structure and function (PolyPhen-2) suggests that this variant is likely to be disruptive. In summary, the available evidence is currently insufficient to determine the role of this variant in disease. Therefore, it has been classified as a Variant of Uncertain Significance.

Ambry Genetics
Classification: Uncertain significance for Hereditary cancer-predisposing syndrome. Last evaluated: 2025-03-10. Review status: criteria provided, single submitter. Criteria: Ambry Variant Classification Scheme 2023. Collection method: clinical testing. Allele origin: germline.
Comment: The p.A138T variant (also known as c.412G>A), located in coding exon 1 of the ALK gene, results from a G to A substitution at nucleotide position 412. The alanine at codon 138 is replaced by threonine, an amino acid with similar properties. This amino acid position is conserved. In addition, the in silico prediction for this alteration is inconclusive. Based on the available evidence, the clinical significance of this variant remains unclear.

NM_004304.5(ALK):c.412G>A (p.Ala138Thr)

Gene: ALK (ALK receptor tyrosine kinase; minus strand). Cytogenetic location: 2p23.1.
Variant type: single nucleotide variant.
Coding change: c.412G>A on transcript NM_004304.5 (MANE Select); coding-DNA position 412, G replaced by A.
Protein change: p.Ala138Thr; replaces alanine 138 with threonine.
Molecular consequence: missense variant.
Genome position (GRCh38, 1-based): chr2:29,920,248, C>T on the plus strand (G>A on the coding strand, the complement: ALK is on the minus strand). VCF-style: chr2-29920248-C-T. GRCh37 (hg19) VCF-style: chr2-30143114-C-T.
Other names: c.412G>A (NM_004304.4); short protein forms A138T.
Identifiers: ClinVar variation 1462432 (VCV001462432.9), dbSNP rs2148443328, ClinGen allele CA346590101.
Genomic context (GRCh38, chr2:29,920,248, plus strand): 5'-GGGGCCCGACGCAACCCTCCAAGATCGCCTCCTCGCCCAGCTCCAGCACCAACTGCTTGG[C>T]ACGCCGGAGCTTGCGCACGGAGCCGCCCTTCAGCACCCTGGACAGCGTCCGGGCCTCTGC-3'
Protein context (NP_004295.2, residues 128-148): KGGSVRKLRR[Ala138Thr]KQLVLELGEE